The following is an entry in ClinVar:

NM_001378457.1(DMXL2):c.3065A>G (p.Asn1022Ser)

Gene: DMXL2 (Dmx like 2; minus strand). Cytogenetic location: 15q21.2.
Variant type: single nucleotide variant.
Coding change: c.3065A>G on transcript NM_001378457.1 (MANE Select); coding-DNA position 3065, A replaced by G.
Protein change: p.Asn1022Ser; replaces asparagine 1022 with serine.
Molecular consequence: missense variant. On other transcripts: non-coding transcript variant (2), intron variant (2).
Genome position (GRCh38, 1-based): chr15:51,500,159, T>C on the plus strand (A>G on the coding strand, the complement: DMXL2 is on the minus strand). VCF-style: chr15-51500159-T-C. GRCh37 (hg19) VCF-style: chr15-51792356-T-C.
Other names: c.2825A>G, p.Asn942Ser (NM_001378464.1); c.3065A>G, p.Asn1022Ser (NM_015263.5, NM_001378458.1, NM_001378459.1 and 4 more transcripts); c.2764+6975A>G (NM_001378460.1); c.2765-5025A>G (NM_001174117.3); short protein forms N1022S, N942S.
Identifiers: ClinVar variation 4084880 (VCV004084880.8).
Genomic context (GRCh38, chr15:51,500,159, plus strand): 5'-TCATCACTTTTATTACACTCTGGGTTGGCTTCCATACAACATTTCCAGAAGCGTACTTTA[T>C]TGTCAGAACAAGTTGTAACCACTAAATAAGGTGCAAGGCACACTGGATAAATTGAAGAAG-3'
Protein context (NP_001365386.1, residues 1012-1032): PYLVVTTCSD[Asn1022Ser]KVRFWKCCME

ClinVar aggregate classification (germline): Uncertain significance (1 of 4 stars; one submission).

gnomAD v4.1: 1 of 1,614,206 alleles (0.000062%); highest among the groups gnomAD compares: Non-Finnish European, 0.000085%; no homozygotes.

Submission:

CeGaT Center for Human Genetics Tuebingen
Classification: Uncertain significance. Last evaluated: 2022-09-01. Review status: criteria provided, single submitter. Criteria: CeGaT Center For Human Genetics Tuebingen Variant Classification Criteria Version 2. Collection method: clinical testing. Allele origin: germline. Affected: yes. Observed: 1 variant allele.
Comment: DMXL2: PM2, BP4